The following is an entry in ClinVar:

NM_005733.3(KIF20A):c.1559T>C (p.Leu520Pro)

Gene: KIF20A (kinesin family member 20A; plus strand). Cytogenetic location: 5q31.2.
Variant type: single nucleotide variant.
Coding change: c.1559T>C on transcript NM_005733.3 (MANE Select); coding-DNA position 1559, T replaced by C.
Protein change: p.Leu520Pro; replaces leucine 520 with proline.
Molecular consequence: missense variant.
Genome position (GRCh38, 1-based): chr5:138,184,552, T>C. VCF-style: chr5-138184552-T-C. GRCh37 (hg19) VCF-style: chr5-137520241-T-C.
Other names: short protein forms L520P.
Identifiers: ClinVar variation 1515010 (VCV001515010.6), dbSNP rs1754713619, ClinGen allele CA361116653.

ClinVar aggregate classification (germline): Uncertain significance (1 of 4 stars; one submission).

Allele frequency attached by ClinVar (database versions not stated): TOPMed below 0.00001; gnomAD 0.00001.
gnomAD v4.1: 1 of 1,614,038 alleles (0.000062%); highest among the groups gnomAD compares: Non-Finnish European, 0.000085%; no homozygotes.

Submission:

Labcorp Genetics (formerly Invitae), Labcorp
Classification: Uncertain significance. Last evaluated: 2021-08-24. Review status: criteria provided, single submitter. Criteria: Invitae Variant Classification Sherloc (09022015). Collection method: clinical testing. Allele origin: germline.
Comment: This sequence change replaces leucine with proline at codon 520 of the KIF20A protein (p.Leu520Pro). The leucine residue is highly conserved and there is a moderate physicochemical difference between leucine and proline. This variant is not present in population databases (ExAC no frequency). This variant has not been reported in the literature in individuals affected with KIF20A-related conditions. Algorithms developed to predict the effect of missense changes on protein structure and function (SIFT, PolyPhen-2, Align-GVGD) all suggest that this variant is likely to be disruptive. In summary, the available evidence is currently insufficient to determine the role of this variant in disease. Therefore, it has been classified as a Variant of Uncertain Significance.